The following is an entry in ClinVar:

NM_006412.4(AGPAT2):c.223G>C (p.Gly75Arg)

Gene: AGPAT2 (1-acylglycerol-3-phosphate O-acyltransferase 2; minus strand). Cytogenetic location: 9q34.3.
Variant type: single nucleotide variant.
Coding change: c.223G>C on transcript NM_006412.4 (MANE Select); coding-DNA position 223, G replaced by C.
Protein change: p.Gly75Arg; replaces glycine 75 with arginine.
Molecular consequence: missense variant.
Genome position (GRCh38, 1-based): chr9:136,677,516, C>G on the plus strand (G>C on the coding strand, the complement: AGPAT2 is on the minus strand). VCF-style: chr9-136677516-C-G. GRCh37 (hg19) VCF-style: chr9-139571968-C-G.
Other names: c.223G>C, p.Gly75Arg (NM_001012727.2); short protein forms G75R.
Identifiers: ClinVar variation 1304896 (VCV001304896.5), dbSNP rs556809277, ClinGen allele CA375584010.
Genomic context (GRCh38, chr9:136,677,516, plus strand): 5'-CGATGACACAGGGACGGGCCTCCTGCAGCCTGCGCGGGTCCCGCACCTCGAAGCGGAGCC[C>G]GTAAAAGTACTTGAAGCTTCGCACGAACCAGCCGATGATGCTGCAGGGGAGGCCACCATG-3'
Protein context (NP_006403.2, residues 65-85): WFVRSFKYFY[Gly75Arg]LRFEVRDPRR

ClinVar aggregate classification (germline): Uncertain significance. Review status: criteria provided, multiple submitters, no conflicts (2 of 4 stars). 3 submissions from 3 submitters: Uncertain significance (3). Last evaluated 2024-04-17.

Conditions:
Congenital generalized lipodystrophy type 1 (CGL1). Also called: Berardinelli-Seip Congenital Lipodystrophy Type 1; BRUNZELL SYNDROME, AGPAT2-RELATED. Identifiers: Orphanet 528, Orphanet 696189, MedGen C1720862, MONDO:0012071, OMIM 608594.

Submissions (3):

Fulgent Genetics
Classification: Uncertain significance for Congenital generalized lipodystrophy type 1. Last evaluated: 2024-04-17. Review status: criteria provided, single submitter. Criteria: ACMG Guidelines, 2015. Collection method: clinical testing. Allele origin: germline.

Blueprint Genetics
Classification: Uncertain significance. Last evaluated: 2020-07-09. Review status: criteria provided, single submitter. Criteria: ACMG Guidelines, 2015. Collection method: clinical testing. Allele origin: germline.

GeneDx
Classification: Uncertain significance. Last evaluated: 2020-01-10. Review status: criteria provided, single submitter. Criteria: GeneDx Variant Classification Process June 2021. Collection method: clinical testing. Allele origin: germline. Affected: yes.
Comment: Not observed in large population cohorts (Lek et al., 2016); In silico analysis, which includes protein predictors and evolutionary conservation, supports a deleterious effect; Has not been previously published as pathogenic or benign to our knowledge